The following is an entry in ClinVar:

ClinVar aggregate classification (germline): Pathogenic (1 of 4 stars; one submission).

Conditions:
Glycogen storage disease type III (GSD3). Also called: FORBES DISEASE; Cori disease. Identifiers: Orphanet 366, MedGen C0017922, MONDO:0009291, OMIM 232400.

Submission:

Myriad Genetics, Inc.
Classification: Pathogenic for Glycogen storage disease type III. Last evaluated: 2024-01-08. Review status: criteria provided, single submitter. Criteria: Myriad Autosomal Dominant, Autosomal Recessive and X-Linked Classification Criteria (2023). Collection method: clinical testing. Allele origin: unknown.
Comment: NM_000642.2(AGL):c.565_569del5ins3(N189Gfs*7) is expected to be pathogenic in the context of glycogen storage disease type III. This variant is predicted to lead to an abnormal or absent protein product due to the creation of a premature termination codon in AGL, a gene where loss-of-function variants are known to be pathogenic. Please note: this variant was assessed in the context of healthy population screening.

NM_000642.3(AGL):c.565_569delinsGGA (p.Asn189fs)

Gene: AGL (amylo-alpha-1,6-glucosidase and 4-alpha-glucanotransferase; plus strand). Cytogenetic location: 1p21.2.
Variant type: Indel.
Coding change: c.565_569delinsGGA on transcript NM_000642.3 (MANE Select); coding-DNA positions 565 to 569, AATAG replaced by GGA.
Protein change: p.Asn189fs; shifts the reading frame from asparagine 189.
Molecular consequence: frameshift variant. On other transcripts: intron variant (2).
Genome position (GRCh38, 1-based): chr1:99,864,490-99,864,494, AATAG replaced by GGA. VCF-style: chr1-99864490-AATAG-GGA. GRCh37 (hg19) VCF-style: chr1-100330046-AATAG-GGA.
Other names: c.565_569delinsGGA, p.Asn189fs (NM_000028.3, NM_000643.3, NM_000644.3 and 3 more transcripts); c.517_521delinsGGA, p.Asn173fs (NM_000646.3); c.187_191delinsGGA, p.Asn63fs (NM_001425332.1); c.460+2067_460+2071delinsGGA (NM_001425328.1, NM_001425329.1); short protein forms N173fs, N189fs, N63fs.
Identifiers: ClinVar variation 5012636 (VCV005012636.1).